The following is an entry in ClinVar:

NM_006514.4(SCN10A):c.3829G>A (p.Ala1277Thr)

Gene: SCN10A (sodium voltage-gated channel alpha subunit 10; minus strand). Cytogenetic location: 3p22.2.
Variant type: single nucleotide variant.
Coding change: c.3829G>A on transcript NM_006514.4 (MANE Select); coding-DNA position 3829, G replaced by A.
Protein change: p.Ala1277Thr; replaces alanine 1277 with threonine.
Molecular consequence: missense variant.
Genome position (GRCh38, 1-based): chr3:38,712,421, C>T on the plus strand (G>A on the coding strand, the complement: SCN10A is on the minus strand). VCF-style: chr3-38712421-C-T. GRCh37 (hg19) VCF-style: chr3-38753912-C-T.
Other names: c.3826G>A, p.Ala1276Thr (NM_001293306.2); c.3535G>A, p.Ala1179Thr (NM_001293307.2); c.3829G>A (NM_006514.2); short protein forms A1179T, A1276T, A1277T.
Identifiers: ClinVar variation 1466374 (VCV001466374.8), dbSNP rs1296278088, ClinGen allele CA352151368.

ClinVar aggregate classification (germline): Uncertain significance. Review status: criteria provided, multiple submitters, no conflicts (2 of 4 stars). 3 submissions from 3 submitters: Uncertain significance (3). Last evaluated 2025-05-06.

Conditions:
Brugada syndrome. Also called: Sudden unexplained nocturnal death syndrome; Sudden unexpected nocturnal death syndrome; Sudden Unexplained Death Syndrome; Sudden Unexplained Nocturnal Death Syndrome (SUNDS). Identifiers: Orphanet 130, MedGen C1142166, MONDO:0015263.
Cardiovascular phenotype. Identifiers: MedGen CN230736.

Allele frequency attached by ClinVar (database versions not stated): gnomAD exomes below 0.00001; TOPMed below 0.00001; gnomAD 0.00001.
gnomAD v4.1: 3 of 1,613,806 alleles (0.00019%); highest among the groups gnomAD compares: African/African-American, 0.0013%; no homozygotes.

Submissions (3):

Ambry Genetics
Classification: Uncertain significance for Cardiovascular phenotype. Last evaluated: 2025-05-06. Review status: criteria provided, single submitter. Criteria: Ambry Variant Classification Scheme 2023. Collection method: clinical testing. Allele origin: germline.
Comment: The p.A1277T variant (also known as c.3829G>A), located in coding exon 22 of the SCN10A gene, results from a G to A substitution at nucleotide position 3829. The alanine at codon 1277 is replaced by threonine, an amino acid with similar properties. This amino acid position is conserved. In addition, this alteration is predicted to be deleterious by in silico analysis. Based on the available evidence, the clinical significance of this variant remains unclear.

GeneDx
Classification: Uncertain significance. Last evaluated: 2024-01-16. Review status: criteria provided, single submitter. Criteria: GeneDx Variant Classification Process June 2021. Collection method: clinical testing. Allele origin: germline. Affected: yes.
Comment: Has not been previously published as pathogenic or benign to our knowledge; Not observed at significant frequency in large population cohorts (gnomAD); In silico analysis supports that this missense variant has a deleterious effect on protein structure/function

Labcorp Genetics (formerly Invitae), Labcorp
Classification: Uncertain significance for Brugada syndrome. Last evaluated: 2021-11-13. Review status: criteria provided, single submitter. Criteria: Invitae Variant Classification Sherloc (09022015). Collection method: clinical testing. Allele origin: germline.
Comment: In summary, the available evidence is currently insufficient to determine the role of this variant in disease. Therefore, it has been classified as a Variant of Uncertain Significance. Advanced modeling of protein sequence and biophysical properties (such as structural, functional, and spatial information, amino acid conservation, physicochemical variation, residue mobility, and thermodynamic stability) performed at Invitae indicates that this missense variant is expected to disrupt SCN10A protein function. This variant has not been reported in the literature in individuals affected with SCN10A-related conditions. This variant is present in population databases (no rsID available, gnomAD 0.01%). This sequence change replaces alanine, which is neutral and non-polar, with threonine, which is neutral and polar, at codon 1277 of the SCN10A protein (p.Ala1277Thr).